The following is an entry in ClinVar:

NM_000215.4(JAK3):c.2518C>T (p.Arg840Cys)

Gene: JAK3 (Janus kinase 3; minus strand). Cytogenetic location: 19p13.11.
Variant type: single nucleotide variant.
Coding change: c.2518C>T on transcript NM_000215.4 (MANE Select); coding-DNA position 2518, C replaced by T.
Protein change: p.Arg840Cys; replaces arginine 840 with cysteine.
Molecular consequence: missense variant.
Genome position (GRCh38, 1-based): chr19:17,832,681, G>A on the plus strand (C>T on the coding strand, the complement: JAK3 is on the minus strand). VCF-style: chr19-17832681-G-A. GRCh37 (hg19) VCF-style: chr19-17943490-G-A.
Other names: short protein forms R840C.
Identifiers: ClinVar variation 664577 (VCV000664577.41), dbSNP rs200077579, ClinGen allele CA9301582.

ClinVar aggregate classification (germline): Uncertain significance. Review status: criteria provided, multiple submitters, no conflicts (2 of 4 stars). 7 submissions from 7 submitters: Uncertain significance (7). Last evaluated 2026-02-11.

Conditions:
T-B+ severe combined immunodeficiency due to JAK3 deficiency. Also called: SCID, T CELL-NEGATIVE, B CELL-POSITIVE, NK CELL-NEGATIVE; SCID, autosomal recessive, T-negative/B-positive type. Identifiers: Orphanet 35078, MedGen C1833275, MONDO:0010938, OMIM 600802.

Allele frequency attached by ClinVar (database versions not stated): gnomAD 0.00016 and 0.00024; gnomAD exomes 0.00020 and 0.00022; ExAC 0.00023; TOPMed 0.00026; ESP Exome Variant Server 0.00031.
gnomAD v4.1: 341 of 1,614,086 alleles (0.021%); highest among the groups gnomAD compares: Middle Eastern, 0.033%; 2 homozygotes.

Submissions (7):

Women's Health and Genetics/Laboratory Corporation of America, LabCorp
Classification: Uncertain significance. Last evaluated: 2026-02-11. Review status: criteria provided, single submitter. Criteria: LabCorp Variant Classification Summary - May 2015. Collection method: clinical testing. Allele origin: germline.
Comment: Variant summary: JAK3 c.2518C>T (p.Arg840Cys) results in a non-conservative amino acid change located in the Protein kinase domain (IPR000719) of the encoded protein sequence. Algorithms developed to predict the effect of missense changes on protein structure and function all suggest that this variant is likely to be disruptive. The variant allele was found at a frequency of 0.00022 in 251376 control chromosomes. This frequency is not significantly higher than estimated for disease-causing variants in JAK3, allowing no conclusion about variant significance. c.2518C>T has been reported in the literature in individuals affected with Immunodeficiency without strong evidence of causality (e.g. Sic_2017, Suratannon_2020). These reports do not provide unequivocal conclusions about association of the variant with Severe Combined Immunodeficiency. At least one publication reports experimental evidence evaluating an impact on protein function, finding that the variant results in a gain-of-function (Sic_2017). The following publications have been ascertained in the context of this evaluation (PMID: 29375547, 32373116). ClinVar contains an entry for this variant (Variation ID: 664577). Based on the evidence outlined above, the variant was classified as uncertain significance.

Blueprint Genetics
Classification: Uncertain significance. Last evaluated: 2024-11-18. Review status: criteria provided, single submitter. Criteria: ACMG Guidelines, 2015. Collection method: clinical testing. Allele origin: germline.

CeGaT Center for Human Genetics Tuebingen
Classification: Uncertain significance. Last evaluated: 2023-06-01. Review status: criteria provided, single submitter. Criteria: CeGaT Center For Human Genetics Tuebingen Variant Classification Criteria Version 2. Collection method: clinical testing. Allele origin: germline. Affected: yes. Observed: 1 variant allele.
Comment: JAK3: PM2, PP3, PS3:Supporting

Department of Pathology and Laboratory Medicine, Sinai Health System
Classification: Uncertain significance for T-B+ severe combined immunodeficiency due to JAK3 deficiency. Last evaluated: 2023-01-31. Review status: criteria provided, single submitter. Criteria: ACMG Guidelines, 2015. Collection method: research. Allele origin: germline.

Labcorp Genetics (formerly Invitae), Labcorp
Classification: Uncertain significance for T-B+ severe combined immunodeficiency due to JAK3 deficiency. Last evaluated: 2022-11-01. Review status: criteria provided, single submitter. Criteria: Invitae Variant Classification Sherloc (09022015). Collection method: clinical testing. Allele origin: germline.
Comment: This sequence change replaces arginine, which is basic and polar, with cysteine, which is neutral and slightly polar, at codon 840 of the JAK3 protein (p.Arg840Cys). This variant is present in population databases (rs200077579, gnomAD 0.03%). This missense change has been observed in individual(s) with common variable immunodeficiency (CVID) (PMID: 29375547). ClinVar contains an entry for this variant (Variation ID: 664577). Advanced modeling of protein sequence and biophysical properties (such as structural, functional, and spatial information, amino acid conservation, physicochemical variation, residue mobility, and thermodynamic stability) performed at Invitae indicates that this missense variant is not expected to disrupt JAK3 protein function. Experimental studies have shown that this missense change affects JAK3 function (PMID: 29375547). In summary, the available evidence is currently insufficient to determine the role of this variant in disease. Therefore, it has been classified as a Variant of Uncertain Significance.

Fulgent Genetics
Classification: Uncertain significance for T-B+ severe combined immunodeficiency due to JAK3 deficiency. Last evaluated: 2022-04-06. Review status: criteria provided, single submitter. Criteria: ACMG Guidelines, 2015. Collection method: clinical testing. Allele origin: unknown.

Illumina Laboratory Services, Illumina
Classification: Uncertain significance for T-B+ severe combined immunodeficiency due to JAK3 deficiency. Last evaluated: 2018-01-13. Review status: criteria provided, single submitter. Criteria: ICSL Variant Classification Criteria 13 December 2019. Collection method: clinical testing. Allele origin: germline.

Literature cited by the submitters: PubMed 32373116 (cited by Women's Health and Genetics/Laboratory Corporation of America, LabCorp); PubMed 29375547 (cited by Women's Health and Genetics/Laboratory Corporation of America, LabCorp and Labcorp Genetics (formerly Invitae), Labcorp).